The following is an entry in ClinVar:

ClinVar aggregate classification (germline): Uncertain significance. Review status: criteria provided, multiple submitters, no conflicts (2 of 4 stars). 4 submissions from 4 submitters: Uncertain significance (3). 1 of the submissions does not count toward it. Last evaluated 2025-09-11.

Conditions:
Hereditary nonpolyposis colorectal neoplasms. Identifiers: MedGen C0009405, MeSH D003123.
Hereditary cancer-predisposing syndrome. Also called: Hereditary Cancer Syndrome; Neoplastic Syndromes, Hereditary; Tumor predisposition; Hereditary neoplastic syndrome. Identifiers: Orphanet 140162, MedGen C0027672, MeSH D009386, MONDO:0015356.

Submissions (4):

Labcorp Genetics (formerly Invitae), Labcorp
Classification: Uncertain significance for Hereditary nonpolyposis colorectal neoplasms. Last evaluated: 2025-09-11. Review status: criteria provided, single submitter. Criteria: Invitae Variant Classification Sherloc (09022015). Collection method: clinical testing. Allele origin: germline.
Comment: This sequence change replaces serine, which is neutral and polar, with glycine, which is neutral and non-polar, at codon 36 of the PMS2 protein (p.Ser36Gly). This variant is not present in population databases (gnomAD no frequency). This variant has not been reported in the literature in individuals affected with PMS2-related conditions. ClinVar contains an entry for this variant (Variation ID: 480339). Invitae Evidence Modeling incorporating data from in vitro experimental studies (internal data) indicates that this missense variant is not expected to disrupt PMS2 function with a negative predictive value of 95%. In summary, the available evidence is currently insufficient to determine the role of this variant in disease. Therefore, it has been classified as a Variant of Uncertain Significance.

Color Diagnostics, LLC DBA Color Health
Classification: Uncertain significance for Hereditary cancer-predisposing syndrome. Last evaluated: 2024-03-06. Review status: criteria provided, single submitter. Criteria: ACMG Guidelines, 2015. Collection method: clinical testing. Allele origin: germline.
Comment: This missense variant replaces serine with glycine at codon 36 of the PMS2 protein. Computational prediction suggests that this variant may not impact protein structure and function (internally defined REVEL score threshold <= 0.5, PMID: 27666373). To our knowledge, functional studies have not been reported for this variant. This variant has not been reported in individuals affected with PMS2-related disorders in the literature. This variant has not been identified in the general population by the Genome Aggregation Database (gnomAD). The available evidence is insufficient to determine the role of this variant in disease conclusively. Therefore, this variant is classified as a Variant of Uncertain Significance.

Ambry Genetics
Classification: Uncertain significance for Hereditary cancer-predisposing syndrome. Last evaluated: 2016-08-05. Review status: criteria provided, single submitter. Criteria: Ambry Variant Classification Scheme 2023. Collection method: clinical testing. Allele origin: germline.
Comment: The p.S36G variant (also known as c.106A>G), located in coding exon 2 of the PMS2 gene, results from an A to G substitution at nucleotide position 106. The serine at codon 36 is replaced by glycine, an amino acid with similar properties. This variant was not reported in population based cohorts in the following databases: Database of Single Nucleotide Polymorphisms (dbSNP), NHLBI Exome Sequencing Project (ESP), and 1000 Genomes Project. In the ESP, this variant was not observed in 3700 samples (7400 alleles) with coverage at this position. To date, this alteration has been detected with an allele frequency of approximately 0.001% (greater than 150000 alleles tested) in our clinical cohort. This amino acid position is highly conserved through mammals but not in all available vertebrate species. In addition, the in silico prediction for this alteration is inconclusive. Since supporting evidence is limited at this time, the clinical significance of this alteration remains unclear.

Department of Pathology and Laboratory Medicine, Sinai Health System
Classification: Uncertain significance. Review status: no assertion criteria provided. Collection method: clinical testing. Allele origin: unknown. Affected: yes. Study: The Canadian Open Genetics Repository (COGR). Not counted in ClinVar's aggregate classification.
Comment: The PMS2 p.Ser36Gly variant was not identified in the literature nor was it identified in the following databases: dbSNP, COGR, Cosmic, MutDB, Insight Colon Cancer Gene Variant Database, Zhejiang Colon Cancer Database, Mismatch Repair Genes Variant Database, or Insight Hereditary Tumors Database. The variant was identified in the ClinVar database (1x, uncertain significance). The variant was not identified in the control databases: the 1000 Genomes Project, the NHLBI GO Exome Sequencing Project, the Exome Aggregation Consortium (August 8th 2016), or the Genome Aggregation Database (Feb 27, 2017). The p.Ser36 residue is not conserved in mammals and four out of five computational analyses (PolyPhen-2, SIFT, AlignGVGD, BLOSUM, MutationTaster) do not suggest a high likelihood of impact to the protein; however, this information is not predictive enough to rule out pathogenicity. The variant occurs outside of the splicing consensus sequence and in silico or computational prediction software programs (SpliceSiteFinder, MaxEntScan, NNSPLICE, GeneSplicer, HumanSpliceFinder) do not predict a difference in splicing. In summary, based on the above information the clinical significance of this variant cannot be determined with certainty at this time. This variant is classified as a variant of uncertain significance.

NM_000535.7(PMS2):c.106A>G (p.Ser36Gly)

Gene: PMS2 (PMS1 homolog 2, mismatch repair system component; minus strand). Cytogenetic location: 7p22.1.
Variant type: single nucleotide variant.
Coding change: c.106A>G on transcript NM_000535.7 (MANE Select); coding-DNA position 106, A replaced by G.
Protein change: p.Ser36Gly; replaces serine 36 with glycine.
Molecular consequence: missense variant. On other transcripts: 5 prime UTR variant (8), non-coding transcript variant (1), intron variant (3).
Genome position (GRCh38, 1-based): chr7:6,005,949, T>C on the plus strand (A>G on the coding strand, the complement: PMS2 is on the minus strand). VCF-style: chr7-6005949-T-C. GRCh37 (hg19) VCF-style: chr7-6045580-T-C.
Other names: c.-300A>G (NM_001322003.2, NM_001322005.2, NM_001322009.2 and 1 more transcripts); c.106A>G, p.Ser36Gly (NM_001322006.2, NM_001322014.2); c.-110A>G (NM_001322007.2); c.-779A>G (NM_001322011.2, NM_001322012.2); c.-379A>G (NM_001322015.2); c.-52-1891A>G (NM_001322008.2); c.-242-1891A>G (NM_001322010.2, NM_001322004.2); short protein forms S36G.
Identifiers: ClinVar variation 480339 (VCV000480339.18), dbSNP rs587781918, ClinGen allele CA366745053.